The following is an entry in ClinVar:

NM_001199138.2(NLRC4):c.845A>C (p.Glu282Ala)

Gene: NLRC4 (NLR family CARD domain containing 4; minus strand). Cytogenetic location: 2p22.3.
Variant type: single nucleotide variant.
Coding change: c.845A>C on transcript NM_001199138.2 (MANE Select); coding-DNA position 845, A replaced by C.
Protein change: p.Glu282Ala; replaces glutamic acid 282 with alanine.
Molecular consequence: missense variant. On other transcripts: intron variant (1).
Genome position (GRCh38, 1-based): chr2:32,251,019, T>G on the plus strand (A>C on the coding strand, the complement: NLRC4 is on the minus strand). VCF-style: chr2-32251019-T-G. GRCh37 (hg19) VCF-style: chr2-32476088-T-G.
Other names: c.845A>C, p.Glu282Ala (NM_001199139.2, NM_021209.5); c.262+1400A>C (NM_001302504.1); short protein forms E282A.
Identifiers: ClinVar variation 581390 (VCV000581390.8), dbSNP rs769709902, ClinGen allele CA44753351.
Genomic context (GRCh38, chr2:32,251,019, plus strand): 5'-TCTGTCATATCCCCCACCTCAGCAGTCAGGGCACCAAACTGCCGTATGTGCCTCAGGCAC[T>G]CAGTGGTAGTGGTGACGATGACCATGTTCTTGAAGCGGTGGTTTTCCTTTATCAGGGCTT-3'
Protein context (NP_001186067.1, residues 272-292): KNMVIVTTTT[Glu282Ala]CLRHIRQFGA

ClinVar aggregate classification (germline): Uncertain significance (1 of 4 stars; one submission).

Conditions:
Periodic fever-infantile enterocolitis-autoinflammatory syndrome. Also called: Autoinflammation with infantile enterocolitis. Identifiers: Orphanet 436166, MedGen C4015067, MONDO:0014472, OMIM 616050.
Familial cold autoinflammatory syndrome 4 (FCAS4). Identifiers: Orphanet 47045, Orphanet 576349, MedGen C4015276, MONDO:0014498, OMIM 616115.

Allele frequency attached by ClinVar (database versions not stated): TOPMed 0.00001.
gnomAD v4.1: 1 of 1,614,196 alleles (0.000062%); highest among the groups gnomAD compares: Non-Finnish European, 0.000085%; no homozygotes.

Submission:

Labcorp Genetics (formerly Invitae), Labcorp
Classification: Uncertain significance for Periodic fever-infantile enterocolitis-autoinflammatory syndrome; Familial cold autoinflammatory syndrome 4. Last evaluated: 2023-11-15. Review status: criteria provided, single submitter. Criteria: Invitae Variant Classification Sherloc (09022015). Collection method: clinical testing. Allele origin: germline.
Comment: This sequence change replaces glutamic acid, which is acidic and polar, with alanine, which is neutral and non-polar, at codon 282 of the NLRC4 protein (p.Glu282Ala). This variant is not present in population databases (gnomAD no frequency). This variant has not been reported in the literature in individuals affected with NLRC4-related conditions. ClinVar contains an entry for this variant (Variation ID: 581390). Advanced modeling of protein sequence and biophysical properties (such as structural, functional, and spatial information, amino acid conservation, physicochemical variation, residue mobility, and thermodynamic stability) performed at Invitae indicates that this missense variant is expected to disrupt NLRC4 protein function with a positive predictive value of 80%. In summary, the available evidence is currently insufficient to determine the role of this variant in disease. Therefore, it has been classified as a Variant of Uncertain Significance.